The following is an entry in ClinVar:

NC_000017.11:g.(?_43063313)_(43124135_?)dup

Gene: BRCA1 (BRCA1 DNA repair associated; minus strand). Cytogenetic location: 17q21.31.
Variant type: Duplication.
Identifiers: ClinVar variation 831935 (VCV000831935.1).

ClinVar aggregate classification (germline): Uncertain significance (1 of 4 stars; one submission).

Conditions:
Hereditary breast ovarian cancer syndrome. Also called: Hereditary breast and/or ovarian cancer syndrome; Hereditary breast and ovarian cancer syndrome (HBOC); Breast and ovarian cancer; Hereditary breast and ovarian cancer; BRCA1- and BRCA2-Associated Hereditary Breast and Ovarian Cancer; Hereditary breast and ovarian cancer syndrome. Identifiers: Orphanet 145, MedGen C0677776, MeSH D061325, MONDO:0003582. Disease mechanism: loss of function.

Submission:

Labcorp Genetics (formerly Invitae), Labcorp
Classification: Uncertain significance for Hereditary breast and ovarian cancer syndrome. Last evaluated: 2019-10-23. Review status: criteria provided, single submitter. Criteria: Invitae Variant Classification Sherloc (09022015). Collection method: clinical testing. Allele origin: germline.
Comment: This variant results in a copy number gain of the genomic region encompassing exons 2-18 of the BRCA1 gene, which includes the initiator codon. The 5' end of this event is unknown as it extends beyond the assayed region for this gene and therefore may encompass additional genes. The 3' boundary is likely confined to intron 17 of the BRCA1 gene. As the precise location of this event is unknown, it may be in tandem or it may be located elsewhere in the genome. This variant has not been reported in the literature in individuals with BRCA1-related conditions. Experimental studies and prediction algorithms are not available or were not evaluated, and the functional significance of this variant is currently unknown. In summary, the available evidence is currently insufficient to determine the role of this variant in disease. Therefore, it has been classified as a Variant of Uncertain Significance.